The following is an entry in ClinVar:

NM_198428.3(BBS9):c.396G>C (p.Gln132His)

Gene: BBS9 (Bardet-Biedl syndrome 9; plus strand). Cytogenetic location: 7p14.3.
Variant type: single nucleotide variant.
Coding change: c.396G>C on transcript NM_198428.3 (MANE Select); coding-DNA position 396, G replaced by C.
Protein change: p.Gln132His; replaces glutamine 132 with histidine.
Molecular consequence: missense variant. On other transcripts: non-coding transcript variant (3).
Genome position (GRCh38, 1-based): chr7:33,177,545, G>C. VCF-style: chr7-33177545-G-C. GRCh37 (hg19) VCF-style: chr7-33217157-G-C.
Other names: c.396G>C, p.Gln132His (NM_001033604.2, NM_001033605.2, NM_001348036.1 and 5 more transcripts); c.30G>C, p.Gln10His (NM_001348037.3, NM_001348044.3, NM_001348045.3 and 1 more transcripts); c.123G>C, p.Gln41His (NM_001348038.3, NM_001348039.3); c.261G>C, p.Gln87His (NM_001348042.3); short protein forms Q10H, Q132H, Q41H, Q87H.
Identifiers: ClinVar variation 841915 (VCV000841915.11), dbSNP rs10255104, ClinGen allele CA4213977.
Genomic context (GRCh38, chr7:33,177,545, plus strand): 5'-GGGTAATGTGGAACATGGGAACCAATGTCAGATGAAATTGATGTATGAACATAATCTTCA[G>C]AGAACAGCCTGCAATATGACCTATGGATCATTTGGTGGTGTAAAAGGTAATTTGCTTTTA-3'
Protein context (NP_940820.1, residues 122-142): QMKLMYEHNL[Gln132His]RTACNMTYGS

ClinVar aggregate classification (germline): Uncertain significance. Review status: criteria provided, multiple submitters, no conflicts (2 of 4 stars). 6 submissions from 6 submitters: Uncertain significance (6). Last evaluated 2026-04-20.

Conditions:
BBS9-related disorder. Also called: BBS9-related condition.
Bardet-Biedl syndrome (BBS). Identifiers: Orphanet 110, MedGen C0752166, MONDO:0015229.
Bardet-Biedl syndrome 9 (BBS9). Identifiers: Orphanet 110, MedGen C1859567, MONDO:0014437, OMIM 615986.

Allele frequency attached by ClinVar (database versions not stated): 1000 Genomes Project 0.00020; 1000 Genomes Project 30x 0.00031; ExAC 0.00005.
gnomAD v4.1: 71 of 1,613,374 alleles (0.0044%); highest among the groups gnomAD compares: Admixed American, 0.088%; no homozygotes.

Submissions (6):

PreventionGenetics, part of Exact Sciences
Classification: Uncertain significance for BBS9-related condition. Last evaluated: 2026-04-20. Review status: criteria provided, single submitter. Criteria: ACMG Guidelines, 2015. Collection method: clinical testing. Allele origin: germline.
Comment: The BBS9 c.396G>C variant is predicted to result in the amino acid substitution p.Gln132His. This variant has been reported in two families with Bardet-Biedl syndrome who also had diagnostic findings in BBS1 or BBS7 (Family J118, Chen et al. 2011. PubMed ID: 21642631; Case 3, Table 1, Guardiola et al. 2021. PubMed ID: 34526762). It has also been reported as a variant of uncertain significance in a study of children who exhibited obesity and hyperphagia (Melendez-Montañez and De Jesus-Rojas. 2024. PubMed ID: 38674329). This variant is reported in 0.042% of alleles in individuals of Latino descent in gnomAD. At this time, the clinical significance of this variant is uncertain due to the absence of conclusive functional and genetic evidence.

Women's Health and Genetics/Laboratory Corporation of America, LabCorp
Classification: Uncertain significance. Last evaluated: 2024-07-30. Review status: criteria provided, single submitter. Criteria: LabCorp Variant Classification Summary - May 2015. Collection method: clinical testing. Allele origin: germline.
Comment: Variant summary: BBS9 c.396G>C (p.Gln132His) results in a non-conservative amino acid change located in the N-terminal domain (IPR028073) of the encoded protein sequence. Five of five in-silico tools predict a damaging effect of the variant on protein function. The variant allele was found at a frequency of 9.2e-05 in 251276 control chromosomes (gnomAD). This frequency is not significantly higher than estimated for a pathogenic variant in BBS9 causing Bardet-Biedl Syndrome (9.2e-05 vs 0.00054), allowing no conclusion about variant significance. c.396G>C has been reported in the literature in individuals affected with Bardet-Biedl Syndrome, however without strong evidence for causality (e.g., Chen_2011, Guardiola_2021, Melendez-Montanez_2024). These report(s) do not provide unequivocal conclusions about association of the variant with Bardet-Biedl Syndrome. To our knowledge, no experimental evidence demonstrating an impact on protein function has been reported. The following publications have been ascertained in the context of this evaluation (PMID: 21642631, 34526762, 38674329). ClinVar contains an entry for this variant (Variation ID: 841915). Based on the evidence outlined above, the variant was classified as uncertain significance.

Blueprint Genetics
Classification: Uncertain significance. Last evaluated: 2024-05-14. Review status: criteria provided, single submitter. Criteria: ACMG Guidelines, 2015. Collection method: clinical testing. Allele origin: germline.

GeneDx
Classification: Uncertain significance. Last evaluated: 2024-03-21. Review status: criteria provided, single submitter. Criteria: GeneDx Variant Classification Process June 2021. Collection method: clinical testing. Allele origin: germline. Affected: yes.
Comment: In silico analysis supports that this missense variant has a deleterious effect on protein structure/function; This variant is associated with the following publications: (PMID: 21642631, 34526762)

Fulgent Genetics
Classification: Uncertain significance for Bardet-Biedl syndrome 9. Last evaluated: 2023-12-27. Review status: criteria provided, single submitter. Criteria: ACMG Guidelines, 2015. Collection method: clinical testing. Allele origin: germline.

Labcorp Genetics (formerly Invitae), Labcorp
Classification: Uncertain significance for Bardet-Biedl syndrome. Last evaluated: 2022-08-23. Review status: criteria provided, single submitter. Criteria: Invitae Variant Classification Sherloc (09022015). Collection method: clinical testing. Allele origin: germline.
Comment: This sequence change replaces glutamine, which is neutral and polar, with histidine, which is basic and polar, at codon 132 of the BBS9 protein (p.Gln132His). This variant is present in population databases (rs10255104, gnomAD 0.04%). This variant has not been reported in the literature in individuals affected with BBS9-related conditions. ClinVar contains an entry for this variant (Variation ID: 841915). Algorithms developed to predict the effect of missense changes on protein structure and function are either unavailable or do not agree on the potential impact of this missense change (SIFT: "Deleterious"; PolyPhen-2: "Probably Damaging"; Align-GVGD: "Class C15"). In summary, the available evidence is currently insufficient to determine the role of this variant in disease. Therefore, it has been classified as a Variant of Uncertain Significance.

Literature cited by the submitters: PubMed 21642631 (cited by Women's Health and Genetics/Laboratory Corporation of America, LabCorp); PubMed 34526762 (cited by Women's Health and Genetics/Laboratory Corporation of America, LabCorp); PubMed 38674329 (cited by Women's Health and Genetics/Laboratory Corporation of America, LabCorp).